The following is an entry in ClinVar:

ClinVar aggregate classification (germline): Likely pathogenic (1 of 4 stars; one submission).

gnomAD v4.1: 1 of 1,613,744 alleles (0.000062%); highest among the groups gnomAD compares: Non-Finnish European, 0.000085%; no homozygotes.

Submission:

Labcorp Genetics (formerly Invitae), Labcorp
Classification: Likely pathogenic. Last evaluated: 2023-10-13. Review status: criteria provided, single submitter. Criteria: Invitae Variant Classification Sherloc (09022015). Collection method: clinical testing. Allele origin: germline.
Comment: This sequence change affects a donor splice site in intron 18 of the TTC37 gene. It is expected to disrupt RNA splicing. Variants that disrupt the donor or acceptor splice site typically lead to a loss of protein function (PMID: 16199547), and loss-of-function variants in TTC37 are known to be pathogenic (PMID: 20176027, 21120949). This variant is not present in population databases (gnomAD no frequency). Disruption of this splice site has been observed in individual(s) with clinical features of TTC37-related conditions (PMID: 32499645, 32581362). Algorithms developed to predict the effect of sequence changes on RNA splicing suggest that this variant may disrupt the consensus splice site. In summary, the currently available evidence indicates that the variant is pathogenic, but additional data are needed to prove that conclusively. Therefore, this variant has been classified as Likely Pathogenic.

Literature cited by the submitters: PubMed 16199547; PubMed 20176027; PubMed 21120949; PubMed 32499645; PubMed 32581362.

NM_014639.4(SKIC3):c.1757+1G>C

Gene: SKIC3 (SKI3 subunit of superkiller complex; minus strand). Cytogenetic location: 5q15.
Variant type: single nucleotide variant.
Coding change: c.1757+1G>C on transcript NM_014639.4 (MANE Select); the canonical splice donor site of the intron after coding-DNA position 1757, G replaced by C.
Molecular consequence: splice donor variant.
Genome position (GRCh38, 1-based): chr5:95,523,201, C>G on the plus strand (G>C on the coding strand, the complement: SKIC3 is on the minus strand). VCF-style: chr5-95523201-C-G. GRCh37 (hg19) VCF-style: chr5-94858905-C-G.
Identifiers: ClinVar variation 2015769 (VCV002015769.4), dbSNP rs570910902, ClinGen allele CA360463556.
Genomic context (GRCh38, chr5:95,523,201, plus strand): 5'-GCTTAATTTAAGGAACCGTTATGCTTGTCTAACATAGTTTAAATACAATAAGGTGCCTTA[C>G]TCAGCCACTGCTTGAGAATGCTGACCAGCTTTCAAATAGTATAGTCCTCGCCTAAGCCAG-3'